The following is an entry in ClinVar:

NM_001172509.2(SATB2):c.554del (p.Glu185fs)

Gene: SATB2 (SATB homeobox 2; minus strand). Cytogenetic location: 2q33.1.
Variant type: Deletion.
Coding change: c.554del on transcript NM_001172509.2 (MANE Select); coding-DNA position 554, one base deleted (A; older notation c.554delA).
Protein change: p.Glu185fs; shifts the reading frame from glutamic acid 185.
Molecular consequence: frameshift variant.
Genome position (GRCh38, 1-based): chr2:199,380,407, T deleted on the plus strand (A on the coding strand, the reverse complement: SATB2 is on the minus strand). VCF-style (leftmost placement, unchanged base first): chr2-199380406-CT-C. GRCh37 (hg19) VCF-style: chr2-200245129-CT-C.
Other names: c.554del, p.Glu185fs (NM_001172517.1, NM_015265.4); short protein forms E185fs.
Identifiers: ClinVar variation 1373974 (VCV001373974.6), dbSNP rs2105865877, ClinGen allele CA2573134304.

ClinVar aggregate classification (germline): Pathogenic (1 of 4 stars; one submission).

Conditions:
Chromosome 2q32-q33 deletion syndrome (GLASS). Also called: Glass syndrome; 2q33.1 deletion syndrome. Identifiers: Orphanet 251019, MedGen C2676739, MONDO:0012864, OMIM 612313.

Submission:

Labcorp Genetics (formerly Invitae), Labcorp
Classification: Pathogenic for Chromosome 2q32-q33 deletion syndrome. Last evaluated: 2021-02-05. Review status: criteria provided, single submitter. Criteria: Invitae Variant Classification Sherloc (09022015). Collection method: clinical testing. Allele origin: germline.
Comment: This variant has not been reported in the literature in individuals with SATB2-related conditions. For these reasons, this variant has been classified as Pathogenic. This variant is not present in population databases (ExAC no frequency). This sequence change creates a premature translational stop signal (p.Glu185Glyfs*2) in the SATB2 gene. It is expected to result in an absent or disrupted protein product. Loss-of-function variants in SATB2 are known to be pathogenic (PMID: 25885067).

Literature cited by the submitters: PubMed 25885067.